The following is an entry in ClinVar:

NM_000975.5(RPL11):c.518T>A (p.Ile173Asn)

Gene: RPL11 (ribosomal protein L11; plus strand). Cytogenetic location: 1p36.11.
Variant type: single nucleotide variant.
Coding change: c.518T>A on transcript NM_000975.5 (MANE Select); coding-DNA position 518, T replaced by A.
Protein change: p.Ile173Asn; replaces isoleucine 173 with asparagine.
Molecular consequence: missense variant.
Genome position (GRCh38, 1-based): chr1:23,696,354, T>A. VCF-style: chr1-23696354-T-A. GRCh37 (hg19) VCF-style: chr1-24022844-T-A.
Other names: c.515T>A, p.Ile172Asn (NM_001199802.1); short protein forms I172N, I173N.
Identifiers: ClinVar variation 2759131 (VCV002759131.3), dbSNP rs2523404250, ClinGen allele CA338994898.

ClinVar aggregate classification (germline): Uncertain significance (1 of 4 stars; one submission).

Conditions:
Diamond-Blackfan anemia. Also called: Blackfan Diamond syndrome; Aregenerative anemia chronic congenital; Red cell aplasia, pure hereditary; Congenital hypoplastic anemia; Aase syndrome. Identifiers: Orphanet 124, MedGen C1260899, MeSH D029503, MONDO:0015253, HP:0004810.

Submission:

Labcorp Genetics (formerly Invitae), Labcorp
Classification: Uncertain significance for Diamond-Blackfan anemia. Last evaluated: 2023-09-08. Review status: criteria provided, single submitter. Criteria: Invitae Variant Classification Sherloc (09022015). Collection method: clinical testing. Allele origin: germline.
Comment: This variant is not present in population databases (gnomAD no frequency). This sequence change replaces isoleucine, which is neutral and non-polar, with asparagine, which is neutral and polar, at codon 173 of the RPL11 protein (p.Ile173Asn). This variant has not been reported in the literature in individuals affected with RPL11-related conditions. In summary, the available evidence is currently insufficient to determine the role of this variant in disease. Therefore, it has been classified as a Variant of Uncertain Significance. An algorithm developed to predict the effect of missense changes on protein structure and function (PolyPhen-2) suggests that this variant is likely to be tolerated.